The following is an entry in ClinVar:

ClinVar aggregate classification (germline): Uncertain significance (1 of 4 stars; one submission).

gnomAD v4.1: 5 of 1,606,032 alleles (0.00031%); highest among the groups gnomAD compares: East Asian, 0.0023%; no homozygotes.

Submission:

Women's Health and Genetics/Laboratory Corporation of America, LabCorp
Classification: Uncertain significance. Last evaluated: 2025-07-01. Review status: criteria provided, single submitter. Criteria: LabCorp Variant Classification Summary - May 2015. Collection method: clinical testing. Allele origin: germline.
Comment: Variant summary: RNF125 c.254C>T (p.Pro85Leu) results in a non-conservative amino acid change in the encoded protein sequence. Algorithms developed to predict the effect of missense changes on protein structure and function are either unavailable or do not agree on the potential impact of this missense change. The variant was absent in 242438 control chromosomes. The available data on variant occurrences in the general population are insufficient to allow any conclusion about variant significance. To our knowledge, no occurrence of c.254C>T in individuals affected with Tenorio Syndrome and no experimental evidence demonstrating its impact on protein function have been reported. No submitters have cited clinical-significance assessments for this variant to ClinVar. Based on the evidence outlined above, the variant was classified as uncertain significance.

NM_017831.4(RNF125):c.254C>T (p.Pro85Leu)

Gene: RNF125 (ring finger protein 125; plus strand). Cytogenetic location: 18q12.1.
Variant type: single nucleotide variant.
Coding change: c.254C>T on transcript NM_017831.4 (MANE Select); coding-DNA position 254, C replaced by T.
Protein change: p.Pro85Leu; replaces proline 85 with leucine.
Molecular consequence: missense variant.
Genome position (GRCh38, 1-based): chr18:32,037,205, C>T. VCF-style: chr18-32037205-C-T. GRCh37 (hg19) VCF-style: chr18-29617168-C-T.
Other names: short protein forms P85L.
Identifiers: ClinVar variation 3912017 (VCV003912017.2).